The following is an entry in ClinVar:

ClinVar aggregate classification (germline): Uncertain significance (1 of 4 stars; one submission).

Submission:

GeneDx
Classification: Uncertain significance. Last evaluated: 2025-02-21. Review status: criteria provided, single submitter. Criteria: GeneDx Variant Classification Process June 2021. Collection method: clinical testing. Allele origin: germline. Affected: yes.
Comment: In silico analysis indicates that this missense variant does not alter protein structure/function; Has not been previously published as pathogenic or benign to our knowledge

NM_001807.6(CEL):c.1630C>G (p.Leu544Val)

Gene: CEL (carboxyl ester lipase; plus strand). Cytogenetic location: 9q34.13.
Variant type: single nucleotide variant.
Coding change: c.1630C>G on transcript NM_001807.6 (MANE Select); coding-DNA position 1630, C replaced by G.
Protein change: p.Leu544Val; replaces leucine 544 with valine.
Molecular consequence: missense variant.
Genome position (GRCh38, 1-based): chr9:133,071,132, C>G. VCF-style: chr9-133071132-C-G. GRCh37 (hg19) VCF-style: chr9-135946519-C-G.
Other names: short protein forms L544V.
Identifiers: ClinVar variation 4076654 (VCV004076654.1).
Genomic context (GRCh38, chr9:133,071,132, plus strand): 5'-AAGATGGGCAGCAGCTCCATGAAGCGGAGCCTGAGAACCAACTTCCTGCGCTACTGGACC[C>G]TCACCTATCTGGCGCTGCCCACAGTGACCGACCAGGAGGCCACCCCTGTGCCCCCCACAG-3'
Protein context (NP_001798.3, residues 534-554): LRTNFLRYWT[Leu544Val]TYLALPTVTD